The following is an entry in ClinVar:

NM_181712.5(KANK4):c.2018A>G (p.Glu673Gly)

Gene: KANK4 (KN motif and ankyrin repeat domains 4; minus strand). Cytogenetic location: 1p31.3.
Variant type: single nucleotide variant.
Coding change: c.2018A>G on transcript NM_181712.5 (MANE Select); coding-DNA position 2018, A replaced by G.
Protein change: p.Glu673Gly; replaces glutamic acid 673 with glycine.
Molecular consequence: missense variant.
Genome position (GRCh38, 1-based): chr1:62,268,500, T>C on the plus strand (A>G on the coding strand, the complement: KANK4 is on the minus strand). VCF-style: chr1-62268500-T-C. GRCh37 (hg19) VCF-style: chr1-62734172-T-C.
Other names: c.134A>G, p.Glu45Gly (NM_001320269.2); c.2018A>G (NM_181712.4); short protein forms E45G, E673G.
Identifiers: ClinVar variation 2890053 (VCV002890053.4), dbSNP rs202231966, ClinGen allele CA884230.

ClinVar aggregate classification (germline): Uncertain significance. Review status: criteria provided, multiple submitters, no conflicts (2 of 4 stars). 2 submissions from 2 submitters: Uncertain significance (2). Last evaluated 2023-10-13.

Allele frequency attached by ClinVar (database versions not stated): ExAC 0.00004; gnomAD exomes 0.00004; gnomAD 0.00006; TOPMed 0.00006; ESP Exome Variant Server 0.00008; 1000 Genomes Project 30x 0.00016; 1000 Genomes Project 0.00020.
gnomAD v4.1: 72 of 1,613,236 alleles (0.0045%); highest among the groups gnomAD compares: Admixed American, 0.033%; no homozygotes.

Submissions (2):

Ambry Genetics
Classification: Uncertain significance. Last evaluated: 2023-10-13. Review status: criteria provided, single submitter. Criteria: Ambry Variant Classification Scheme 2023. Collection method: clinical testing. Allele origin: germline.

Labcorp Genetics (formerly Invitae), Labcorp
Classification: Uncertain significance. Last evaluated: 2023-03-23. Review status: criteria provided, single submitter. Criteria: Invitae Variant Classification Sherloc (09022015). Collection method: clinical testing. Allele origin: germline.
Comment: This sequence change replaces glutamic acid, which is acidic and polar, with glycine, which is neutral and non-polar, at codon 673 of the KANK4 protein (p.Glu673Gly). This variant is present in population databases (rs202231966, gnomAD 0.01%). This variant has not been reported in the literature in individuals affected with KANK4-related conditions. An algorithm developed to predict the effect of missense changes on protein structure and function (PolyPhen-2) suggests that this variant is likely to be disruptive. In summary, the available evidence is currently insufficient to determine the role of this variant in disease. Therefore, it has been classified as a Variant of Uncertain Significance.